The following is an entry in ClinVar:

NM_198173.3(GRHL3):c.797C>T (p.Pro266Leu)

Gene: GRHL3 (grainyhead like transcription factor 3; plus strand). Cytogenetic location: 1p36.11.
Variant type: single nucleotide variant.
Coding change: c.797C>T on transcript NM_198173.3 (MANE Select); coding-DNA position 797, C replaced by T.
Protein change: p.Pro266Leu; replaces proline 266 with leucine.
Molecular consequence: missense variant.
Genome position (GRCh38, 1-based): chr1:24,337,746, C>T. VCF-style: chr1-24337746-C-T. GRCh37 (hg19) VCF-style: chr1-24664236-C-T.
Other names: c.659C>T, p.Pro220Leu (NM_001195010.2); c.812C>T, p.Pro271Leu (NM_021180.4); c.797C>T, p.Pro266Leu (NM_198174.3); short protein forms P220L, P271L, P266L.
Identifiers: ClinVar variation 2759274 (VCV002759274.3), dbSNP rs2522619321, ClinGen allele CA339045420.

ClinVar aggregate classification (germline): Uncertain significance (1 of 4 stars; one submission).

Conditions:
Van der Woude syndrome 2 (VWS2). Identifiers: Orphanet 888, MedGen C1847604, MONDO:0011712, OMIM 606713.

Allele frequency attached by ClinVar (database versions not stated): gnomAD exomes below 0.00001.
gnomAD v4.1: 1 of 1,614,244 alleles (0.000062%); highest among the groups gnomAD compares: Non-Finnish European, 0.000085%; no homozygotes.

Submission:

Labcorp Genetics (formerly Invitae), Labcorp
Classification: Uncertain significance for Van der Woude syndrome 2. Last evaluated: 2023-09-09. Review status: criteria provided, single submitter. Criteria: Invitae Variant Classification Sherloc (09022015). Collection method: clinical testing. Allele origin: germline.
Comment: This sequence change replaces proline, which is neutral and non-polar, with leucine, which is neutral and non-polar, at codon 266 of the GRHL3 protein (p.Pro266Leu). This variant is not present in population databases (gnomAD no frequency). This variant has not been reported in the literature in individuals affected with GRHL3-related conditions. An algorithm developed to predict the effect of missense changes on protein structure and function (PolyPhen-2) suggests that this variant is likely to be tolerated. In summary, the available evidence is currently insufficient to determine the role of this variant in disease. Therefore, it has been classified as a Variant of Uncertain Significance.